The following is an entry in ClinVar:

NM_001388419.1(KALRN):c.906T>C (p.His302=)

Gene: KALRN (kalirin RhoGEF kinase; plus strand). Cytogenetic location: 3q21.2.
Variant type: single nucleotide variant.
Coding change: c.906T>C on transcript NM_001388419.1 (MANE Select); coding-DNA position 906, T replaced by C.
Protein change: p.His302=; no amino-acid change (histidine 302 retained).
Molecular consequence: synonymous variant.
Genome position (GRCh38, 1-based): chr3:124,269,192, T>C. VCF-style: chr3-124269192-T-C. GRCh37 (hg19) VCF-style: chr3-123988039-T-C.
Other names: c.900T>C, p.His300= (NM_001024660.5, NM_001322988.2, NM_001322989.2 and 4 more transcripts); c.906T>C, p.His302= (NM_001388417.1, NM_001388418.1).
Identifiers: ClinVar variation 3060559 (VCV003060559.2), dbSNP rs2272486, ClinGen allele CA2579037.
Genomic context (GRCh38, chr3:124,269,192, plus strand): 5'-GATCACCAGTCTCCTGGACAAGCTGCACTCCACCCGGCAGCACCTGCACCAGATGTGGCA[T>C]GTGCGCAAGCTCAAGCTGGACCAGTGCTTTCAGCTGCGGCTCTTCGAGCAGGATGCTGAG-3'
Protein context (NP_001375348.1, residues 292-312): STRQHLHQMW[His302=]VRKLKLDQCF

ClinVar aggregate classification (germline): Benign (0 of 4 stars; one submission).

Conditions:
KALRN-related disorder. Also called: KALRN-related condition.

Allele frequency attached by ClinVar (database versions not stated): gnomAD exomes 0.61634; ExAC 0.61933; 1000 Genomes Project 0.62181; gnomAD 0.62417; ESP Exome Variant Server 0.62537; 1000 Genomes Project 30x 0.62617; TOPMed 0.63164.
gnomAD v4.1: 994,451 of 1,610,832 alleles (62%); highest among the groups gnomAD compares: Admixed American, 68%; 307,770 homozygotes.

Submission:

PreventionGenetics, part of Exact Sciences
Classification: Benign for KALRN-related condition. Last evaluated: 2019-09-24. Review status: no assertion criteria provided. Collection method: clinical testing. Allele origin: germline.
Comment: This variant is classified as benign based on ACMG/AMP sequence variant interpretation guidelines (Richards et al. 2015 PMID: 25741868, with internal and published modifications).